The following is an entry in ClinVar:

NM_016929.5(CLIC5):c.73G>A (p.Asp25Asn)

Gene: CLIC5 (CLIC family member 5; minus strand). Cytogenetic location: 6p21.1.
Variant type: single nucleotide variant.
Coding change: c.73G>A on transcript NM_016929.5 (MANE Select); coding-DNA position 73, G replaced by A.
Protein change: p.Asp25Asn; replaces aspartic acid 25 with asparagine.
Molecular consequence: missense variant. On other transcripts: 5 prime UTR variant (1).
Genome position (GRCh38, 1-based): chr6:45,955,235, C>T on the plus strand (G>A on the coding strand, the complement: CLIC5 is on the minus strand). VCF-style: chr6-45955235-C-T. GRCh37 (hg19) VCF-style: chr6-45922972-C-T.
Other names: c.550G>A (NM_001114086.1); c.550G>A, p.Asp184Asn (NM_001114086.2, NM_001370650.1); c.73G>A, p.Asp25Asn (NM_001256023.2); c.-45G>A (NM_001370649.1); short protein forms D184N, D25N.
Identifiers: ClinVar variation 1637110 (VCV001637110.11), dbSNP rs145250435, ClinGen allele CA3836925.

ClinVar aggregate classification (germline): Conflicting classifications of pathogenicity. Review status: criteria provided, conflicting classifications (1 of 4 stars). 3 submissions from 3 submitters: Uncertain significance (1); Benign (1). 1 of the submissions does not count toward it. Last evaluated 2025-09-02.

Conditions:
CLIC5-related disorder. Also called: CLIC5-related condition.

Allele frequency attached by ClinVar (database versions not stated): TOPMed 0.00022; 1000 Genomes Project 0.00040; 1000 Genomes Project 30x 0.00047; ExAC 0.00074; gnomAD 0.00088 and 0.00091; gnomAD exomes 0.00090.
gnomAD v4.1: 766 of 1,613,296 alleles (0.047%); highest among the groups gnomAD compares: Admixed American, 0.07%; 2 homozygotes.

Submissions (3):

Labcorp Genetics (formerly Invitae), Labcorp
Classification: Benign. Last evaluated: 2025-09-02. Review status: criteria provided, single submitter. Criteria: Invitae Variant Classification Sherloc (09022015). Collection method: clinical testing. Allele origin: germline.

Blueprint Genetics
Classification: Uncertain significance. Last evaluated: 2024-10-07. Review status: criteria provided, single submitter. Criteria: ACMG Guidelines, 2015. Collection method: clinical testing. Allele origin: germline.

PreventionGenetics, part of Exact Sciences
Classification: Benign for CLIC5-related condition. Last evaluated: 2020-02-11. Review status: no assertion criteria provided. Collection method: clinical testing. Allele origin: germline. Not counted in ClinVar's aggregate classification.
Comment: This variant is classified as benign based on ACMG/AMP sequence variant interpretation guidelines (Richards et al. 2015 PMID: 25741868, with internal and published modifications).